The following is an entry in ClinVar:

ClinVar aggregate classification (germline): Uncertain significance (1 of 4 stars; one submission).

Submission:

GeneDx
Classification: Uncertain significance. Last evaluated: 2022-04-15. Review status: criteria provided, single submitter. Criteria: GeneDx Variant Classification Process June 2021. Collection method: clinical testing. Allele origin: germline. Affected: yes.
Comment: Not observed at significant frequency in large population cohorts (gnomAD); In silico analysis supports that this missense variant has a deleterious effect on protein structure/function; Has not been previously published as pathogenic or benign to our knowledge

NM_001365536.1(SCN9A):c.660A>C (p.Arg220Ser)

Gene: SCN9A (sodium voltage-gated channel alpha subunit 9; minus strand). Cytogenetic location: 2q24.3.
Variant type: single nucleotide variant.
Coding change: c.660A>C on transcript NM_001365536.1 (MANE Select); coding-DNA position 660, A replaced by C.
Protein change: p.Arg220Ser; replaces arginine 220 with serine.
Molecular consequence: missense variant.
Genome position (GRCh38, 1-based): chr2:166,304,266, T>G on the plus strand (A>C on the coding strand, the complement: SCN9A is on the minus strand). VCF-style: chr2-166304266-T-G. GRCh37 (hg19) VCF-style: chr2-167160776-T-G.
Other names: c.660A>C, p.Arg220Ser (NM_002977.4); short protein forms R220S.
Identifiers: ClinVar variation 1710567 (VCV001710567.2), dbSNP rs2468123550, ClinGen allele CA349094138.
Genomic context (GRCh38, chr2:166,304,266, plus strand): 5'-TGGCCTAATGCTTCACACCAATTACTTCTTACCTGGGATTACAGAAATAGTTTTCAAAGC[T>G]CTCAATACTCTGAAAGTTCGAAGAGCTGAAACATTGCCTAGGTTTACAAATTCTGTTAAA-3'
Protein context (NP_001352465.1, residues 210-230): VSALRTFRVL[Arg220Ser]ALKTISVIPG